The following is an entry in ClinVar:

NM_001613.4(ACTA2):c.1093G>A (p.Asp365Asn)

Genes: ACTA2 (actin alpha 2, smooth muscle; minus strand), ACTA2-AS1 (ACTA2 antisense RNA 1; plus strand). Cytogenetic location: 10q23.31.
Variant type: single nucleotide variant.
Coding change: c.1093G>A on transcript NM_001613.4 (MANE Select); coding-DNA position 1093, G replaced by A.
Protein change: p.Asp365Asn; replaces aspartic acid 365 with asparagine.
Molecular consequence: missense variant. On other transcripts: non-coding transcript variant (1).
Genome position (GRCh38, 1-based): chr10:88,935,264, C>T on the plus strand (G>A on the coding strand, the complement: ACTA2 is on the minus strand). VCF-style: chr10-88935264-C-T. GRCh37 (hg19) VCF-style: chr10-90695021-C-T.
Other names: c.1093G>A, p.Asp365Asn (NM_001141945.3, NM_001320855.2, NM_001406462.1 and 2 more transcripts); c.982G>A, p.Asp328Asn (NM_001406466.1); c.964G>A, p.Asp322Asn (NM_001406467.1, NM_001406468.1, NM_001406469.1); c.901G>A, p.Asp301Asn (NM_001406471.1); short protein forms D301N, D322N, D328N, D365N.
Identifiers: ClinVar variation 3073458 (VCV003073458.2), dbSNP rs746668428, ClinGen allele CA026747.
Genomic context (GRCh38, chr10:88,935,264, plus strand): 5'-AGAGGAGCAGGAAAGTGTTTTAGAAGCATTTGCGGTGGACAATGGAAGGCCCGGCTTCAT[C>T]GTATTCCTGTTTGCTGATCCACATCTGCTGGAAGGTGGACAGAGAGGCCAGGATGGAGCC-3'
Protein context (NP_001604.1, residues 355-375): QQMWISKQEY[Asp365Asn]EAGPSIVHRK

ClinVar aggregate classification (germline): Uncertain significance. Review status: criteria provided, multiple submitters, no conflicts (2 of 4 stars). 2 submissions from 2 submitters: Uncertain significance (2). Last evaluated 2025-09-29.

Conditions:
Familial thoracic aortic aneurysm and aortic dissection (TAAD). Also called: Thoracic aortic aneurysms and dissections. Identifiers: Orphanet 91387, MedGen C4707243, MONDO:0019625.
Aortic aneurysm, familial thoracic 6 (AAT6). Also called: FAMILIAL THORACIC AORTIC ANEURYSM WITH LIVEDO RETICULARIS AND IRIS FLOCCULI. Identifiers: MedGen C2673186, MONDO:0012730, OMIM 611788.

Allele frequency attached by ClinVar (database versions not stated): ExAC 0.00001; gnomAD exomes 0.00001.
gnomAD v4.1: 4 of 1,613,886 alleles (0.00025%); highest among the groups gnomAD compares: South Asian, 0.0033%; no homozygotes.

Submissions (2):

Labcorp Genetics (formerly Invitae), Labcorp
Classification: Uncertain significance for Aortic aneurysm, familial thoracic 6. Last evaluated: 2025-09-29. Review status: criteria provided, single submitter. Criteria: Invitae Variant Classification Sherloc (09022015). Collection method: clinical testing. Allele origin: germline.
Comment: This sequence change replaces aspartic acid, which is acidic and polar, with asparagine, which is neutral and polar, at codon 365 of the ACTA2 protein (p.Asp365Asn). This variant is present in population databases (rs746668428, gnomAD 0.006%). This variant has not been reported in the literature in individuals affected with ACTA2-related conditions. ClinVar contains an entry for this variant (Variation ID: 3073458). Invitae Evidence Modeling of protein sequence and biophysical properties (such as structural, functional, and spatial information, amino acid conservation, physicochemical variation, residue mobility, and thermodynamic stability) indicates that this missense variant is not expected to disrupt ACTA2 protein function with a negative predictive value of 80%. In summary, the available evidence is currently insufficient to determine the role of this variant in disease. Therefore, it has been classified as a Variant of Uncertain Significance.

All of Us Research Program, National Institutes of Health
Classification: Uncertain significance for Familial thoracic aortic aneurysm and aortic dissection. Last evaluated: 2023-09-17. Review status: criteria provided, single submitter. Criteria: ACMG Guidelines, 2015. Collection method: clinical testing. Allele origin: germline. Inheritance: Autosomal dominant inheritance. Observed: 1 variant allele, 1 heterozygote.
Comment: This missense variant replaces aspartic acid with asparagine at codon 365 of the ACTA2 protein. Computational prediction suggests that this variant may have a deleterious impact on protein structure and function (internally defined REVEL score threshold >= 0.7, PMID: 27666373). To our knowledge, functional studies have not been reported for this variant. This variant has not been reported in individuals affected with ACTA2-related disorders in the literature. This variant has been identified in 2/251244 chromosomes in the general population by the Genome Aggregation Database (gnomAD). The available evidence is insufficient to determine the role of this variant in disease conclusively. Therefore, this variant is classified as a Variant of Uncertain Significance.

This study involves interpretation of variants in research participants for the purpose of population health screening. Participant phenotype was not available at the time of variant classification. Additional details can be found in publication PMID: 35346344, PMCID: PMC8962531